The following is an entry in ClinVar:

ClinVar aggregate classification (germline): Benign/Likely benign. Review status: criteria provided, multiple submitters, no conflicts (2 of 4 stars). 4 submissions from 4 submitters: Benign (1); Likely benign (3). Last evaluated 2024-07-02.

Conditions:
Oligodontia-cancer predisposition syndrome. Also called: TOOTH AGENESIS-COLORECTAL CANCER SYNDROME. Identifiers: Orphanet 300576, MedGen C1837750, MONDO:0012075, OMIM 608615. Disease mechanism: loss of function.
Hereditary cancer-predisposing syndrome. Also called: Hereditary neoplastic syndrome; Hereditary Cancer Syndrome; Tumor predisposition; Neoplastic Syndromes, Hereditary. Identifiers: Orphanet 140162, MedGen C0027672, MeSH D009386, MONDO:0015356.

Submissions (4):

Myriad Genetics, Inc.
Classification: Benign for Oligodontia-cancer predisposition syndrome. Last evaluated: 2024-07-02. Review status: criteria provided, single submitter. Criteria: Myriad Autosomal Dominant, Autosomal Recessive and X-Linked Classification Criteria (2023). Collection method: clinical testing. Allele origin: unknown.
Comment: This variant is considered benign. This variant is a silent/synonymous amino acid change and it is not expected to impact splicing.

Labcorp Genetics (formerly Invitae), Labcorp
Classification: Likely benign for Oligodontia-cancer predisposition syndrome. Last evaluated: 2022-09-07. Review status: criteria provided, single submitter. Criteria: Invitae Variant Classification Sherloc (09022015). Collection method: clinical testing. Allele origin: germline.

Ambry Genetics
Classification: Likely benign for Hereditary cancer-predisposing syndrome. Last evaluated: 2021-09-23. Review status: criteria provided, single submitter. Criteria: Ambry Variant Classification Scheme 2023. Collection method: clinical testing. Allele origin: germline.

GeneDx
Classification: Likely benign. Last evaluated: 2019-03-26. Review status: criteria provided, single submitter. Criteria: GeneDx Variant Classification Process June 2021. Collection method: clinical testing. Allele origin: germline. Affected: yes.

NM_004655.4(AXIN2):c.1365A>T (p.Pro455=)

Gene: AXIN2 (axin 2; minus strand). Cytogenetic location: 17q24.1.
Variant type: single nucleotide variant.
Coding change: c.1365A>T on transcript NM_004655.4 (MANE Select); coding-DNA position 1365, A replaced by T.
Protein change: p.Pro455=; no amino-acid change (proline 455 retained).
Molecular consequence: synonymous variant.
Genome position (GRCh38, 1-based): chr17:65,537,671, T>A on the plus strand (A>T on the coding strand, the complement: AXIN2 is on the minus strand). VCF-style: chr17-65537671-T-A. GRCh37 (hg19) VCF-style: chr17-63533789-T-A.
Other names: c.1365A>T, p.Pro455= (NM_001363813.1).
Identifiers: ClinVar variation 1128484 (VCV001128484.15), dbSNP rs9915936, ClinGen allele CA501691219.
Genomic context (GRCh38, chr17:65,537,671, plus strand): 5'-CGAATGGTGGTGGTGGTGGTGGTCCGGGGAGCGGGAGCGGGGGCTATAGCGGCCTACGCC[T>A]GGAGACTGGCAGCCAGGGGTCTTGAGGACCCTGGACAGGTGATCGTCCAGTATCGTCTGC-3'
Protein context (NP_004646.3, residues 445-465): RVLKTPGCQS[Pro455=]GVGRYSPRSR